The following is an entry in ClinVar:

NM_182919.4(TICAM1):c.1101_1103del (p.Ser369del)

Gene: TICAM1 (TIR domain containing adaptor molecule 1; minus strand). Cytogenetic location: 19p13.3.
Variant type: Deletion.
Coding change: c.1101_1103del on transcript NM_182919.4 (MANE Select); coding-DNA positions 1101 to 1103, 3 bases deleted (TTC; older notation c.1101_1103delTTC).
Protein change: p.Ser369del; deletes serine 369.
Molecular consequence: inframe deletion.
Genome position (GRCh38, 1-based): chr19:4,817,275-4,817,277, GAA deleted on the plus strand (TTC on the coding strand, the reverse complement: TICAM1 is on the minus strand); deleting any 3 consecutive bases within chr19:4,817,275-4,817,278 gives the same sequence; the c. name uses the placement nearest the transcript's 3' end. VCF-style (leftmost placement, unchanged base first): chr19-4817274-TGAA-T. GRCh37 (hg19) VCF-style: chr19-4817286-TGAA-T.
Other names: c.1059_1061del, p.Ser355del (NM_001385678.1); c.966_968del, p.Ser324del (NM_001385679.1); c.459_461del, p.Ser155del (NM_001385680.1); short protein forms S355del, S369del, S155del, S324del.
Identifiers: ClinVar variation 1494565 (VCV001494565.3), dbSNP rs765752632, ClinGen allele CA9105199.

ClinVar aggregate classification (germline): Uncertain significance (1 of 4 stars; one submission).

Conditions:
Encephalopathy, acute, infection-induced (herpes-specific), susceptibility to, 6. Also called: Herpes simplex encephalitis, susceptibility to, 4. Identifiers: Orphanet 1930, MedGen C3553869, MONDO:0013921, OMIM 614850.

Submission:

Labcorp Genetics (formerly Invitae), Labcorp
Classification: Uncertain significance for Encephalopathy, acute, infection-induced (herpes-specific), susceptibility to, 6. Last evaluated: 2021-08-04. Review status: criteria provided, single submitter. Criteria: Invitae Variant Classification Sherloc (09022015). Collection method: clinical testing. Allele origin: germline.
Comment: This variant, c.1101_1103del, results in the deletion of 1 amino acid(s) of the TICAM1 protein (p.Ser369del), but otherwise preserves the integrity of the reading frame. This variant is present in population databases (rs765752632, ExAC 0.005%). This variant has not been reported in the literature in individuals affected with TICAM1-related conditions. Experimental studies and prediction algorithms are not available or were not evaluated, and the functional significance of this variant is currently unknown. In summary, the available evidence is currently insufficient to determine the role of this variant in disease. Therefore, it has been classified as a Variant of Uncertain Significance.